The following is an entry in ClinVar:

NM_000443.4(ABCB4):c.574G>C (p.Val192Leu)

Gene: ABCB4 (ATP binding cassette subfamily B member 4; minus strand). Cytogenetic location: 7q21.12.
Variant type: single nucleotide variant.
Coding change: c.574G>C on transcript NM_000443.4 (MANE Select); coding-DNA position 574, G replaced by C.
Protein change: p.Val192Leu; replaces valine 192 with leucine.
Molecular consequence: missense variant.
Genome position (GRCh38, 1-based): chr7:87,451,757, C>G on the plus strand (G>C on the coding strand, the complement: ABCB4 is on the minus strand). VCF-style: chr7-87451757-C-G. GRCh37 (hg19) VCF-style: chr7-87081073-C-G.
Other names: c.574G>C, p.Val192Leu (NM_018849.3, NM_018850.3); short protein forms V192L.
Identifiers: ClinVar variation 4809572 (VCV004809572.1).

ClinVar aggregate classification (germline): Uncertain significance (1 of 4 stars; one submission).

Submission:

Labcorp Genetics (formerly Invitae), Labcorp
Classification: Uncertain significance. Last evaluated: 2025-09-27. Review status: criteria provided, single submitter. Criteria: Invitae Variant Classification Sherloc (09022015). Collection method: clinical testing. Allele origin: germline.
Comment: This sequence change replaces valine, which is neutral and non-polar, with leucine, which is neutral and non-polar, at codon 192 of the ABCB4 protein (p.Val192Leu). This variant is not present in population databases (gnomAD no frequency). This variant has not been reported in the literature in individuals affected with ABCB4-related conditions. Invitae Evidence Modeling of protein sequence and biophysical properties (such as structural, functional, and spatial information, amino acid conservation, physicochemical variation, residue mobility, and thermodynamic stability) indicates that this missense variant is not expected to disrupt ABCB4 protein function with a negative predictive value of 80%. In summary, the available evidence is currently insufficient to determine the role of this variant in disease. Therefore, it has been classified as a Variant of Uncertain Significance.